The following is an entry in ClinVar:

NM_017617.5(NOTCH1):c.823G>A (p.Gly275Ser)

Gene: NOTCH1 (notch receptor 1; minus strand). Cytogenetic location: 9q34.3.
Variant type: single nucleotide variant.
Coding change: c.823G>A on transcript NM_017617.5 (MANE Select); coding-DNA position 823, G replaced by A.
Protein change: p.Gly275Ser; replaces glycine 275 with serine.
Molecular consequence: missense variant.
Genome position (GRCh38, 1-based): chr9:136,519,485, C>T on the plus strand (G>A on the coding strand, the complement: NOTCH1 is on the minus strand). VCF-style: chr9-136519485-C-T. GRCh37 (hg19) VCF-style: chr9-139413937-C-T.
Other names: c.823G>A, p.Gly275Ser (LRG_1122t1); short protein forms G275S.
Identifiers: ClinVar variation 409048 (VCV000409048.16), dbSNP rs371333249, ClinGen allele CA5342031.

ClinVar aggregate classification (germline): Conflicting classifications of pathogenicity. Review status: criteria provided, conflicting classifications (1 of 4 stars). 5 submissions from 4 submitters: Uncertain significance (4); Likely benign (1). Last evaluated 2025-09-22.

Conditions:
Adams-Oliver syndrome 5 (AOS5). Identifiers: Orphanet 974, MedGen C4014970, MONDO:0014459, OMIM 616028.
Familial thoracic aortic aneurysm and aortic dissection (TAAD). Also called: Thoracic aortic aneurysms and dissections. Identifiers: Orphanet 91387, MedGen C4707243, MONDO:0019625.
Aortic valve disease 1 (AOVD1). Identifiers: MedGen C3887892, MONDO:0024523, OMIM 109730.

Allele frequency attached by ClinVar (database versions not stated): gnomAD 0.00002; gnomAD exomes 0.00003 and 0.00005; TOPMed 0.00003; ExAC 0.00004; ESP Exome Variant Server 0.00008.
gnomAD v4.1: 81 of 1,612,880 alleles (0.005%); highest among the groups gnomAD compares: Middle Eastern, 0.016%; no homozygotes.

Submissions (5):

Labcorp Genetics (formerly Invitae), Labcorp
Classification: Likely benign for Adams-Oliver syndrome 5. Last evaluated: 2025-09-22. Review status: criteria provided, single submitter. Criteria: Invitae Variant Classification Sherloc (09022015). Collection method: clinical testing. Allele origin: germline.

Ambry Genetics
Classification: Uncertain significance for Familial thoracic aortic aneurysm and aortic dissection. Last evaluated: 2025-09-17. Review status: criteria provided, single submitter. Criteria: Ambry Variant Classification Scheme 2023. Collection method: clinical testing. Allele origin: germline.
Comment: The p.G275S variant (also known as c.823G>A), located in coding exon 5 of the NOTCH1 gene, results from a G to A substitution at nucleotide position 823. The glycine at codon 275 is replaced by serine, an amino acid with similar properties. This amino acid position is highly conserved in available vertebrate species. In addition, the in silico prediction for this alteration is inconclusive. Since supporting evidence is limited at this time, the clinical significance of this alteration remains unclear.

GeneDx
Classification: Uncertain significance. Last evaluated: 2023-05-16. Review status: criteria provided, single submitter. Criteria: GeneDx Variant Classification Process June 2021. Collection method: clinical testing. Allele origin: germline. Affected: yes.
Comment: Has not been previously published as pathogenic or benign to our knowledge; In silico analysis supports that this missense variant has a deleterious effect on protein structure/function

Genome-Nilou Lab
Classification: Uncertain significance for Adams-Oliver syndrome 5. Last evaluated: 2022-03-15. Review status: criteria provided, single submitter. Criteria: ACMG Guidelines, 2015. Collection method: clinical testing. Allele origin: germline. Affected: no.

Genome-Nilou Lab
Classification: Uncertain significance for Aortic valve disease 1. Last evaluated: 2022-03-15. Review status: criteria provided, single submitter. Criteria: ACMG Guidelines, 2015. Collection method: clinical testing. Allele origin: germline. Affected: no.